The following is an entry in ClinVar:

NM_007294.4(BRCA1):c.4726G>A (p.Glu1576Lys)

Gene: BRCA1 (BRCA1 DNA repair associated; minus strand). Cytogenetic location: 17q21.31.
Variant type: single nucleotide variant.
Coding change: c.4726G>A on transcript NM_007294.4 (MANE Select); coding-DNA position 4726, G replaced by A.
Protein change: p.Glu1576Lys; replaces glutamic acid 1576 with lysine.
Molecular consequence: missense variant. On other transcripts: non-coding transcript variant (1).
Genome position (GRCh38, 1-based): chr17:43,071,188, C>T on the plus strand (G>A on the coding strand, the complement: BRCA1 is on the minus strand). VCF-style: chr17-43071188-C-T. GRCh37 (hg19) VCF-style: chr17-41223205-C-T.
Other names: c.4600G>A, p.Glu1534Lys (NM_001407679.1, NM_001407680.1, NM_001407939.1 and 11 more transcripts); c.4597G>A, p.Glu1533Lys (NM_001407681.1, NM_001407682.1, NM_001407683.1 and 6 more transcripts); c.4726G>A, p.Glu1576Lys (NM_001407684.1, NM_001407854.1, NM_001407593.1 and 8 more transcripts); c.4723G>A, p.Glu1575Lys (NM_001407619.1, NM_001407620.1, NM_001407621.1 and 17 more transcripts); c.4720G>A, p.Glu1574Lys (NM_001407627.1, NM_001407628.1, NM_001407638.1 and 14 more transcripts); c.4717G>A, p.Glu1573Lys (NM_001407644.1, NM_001407645.1); c.4714G>A, p.Glu1572Lys (NM_001407646.1); c.4711G>A, p.Glu1571Lys (NM_001407647.1); and 70 more; short protein forms E1576K, E1529K, E472K, E1597K, E1463K, E1487K, E1507K, E1535K.
Identifiers: ClinVar variation 409355 (VCV000409355.11), dbSNP rs1060502355, ClinGen allele CA10592056.

ClinVar aggregate classification (germline): Uncertain significance. Review status: criteria provided, multiple submitters, no conflicts (2 of 4 stars). 2 submissions from 2 submitters: Uncertain significance (2). Last evaluated 2024-06-24.

Conditions:
Breast-ovarian cancer, familial, susceptibility to, 1 (BROVCA1). Also called: BRCA1 Hereditary Breast and Ovarian Cancer; OVARIAN CANCER, SUSCEPTIBILITY TO. Identifiers: Orphanet 145, MedGen C2676676, MONDO:0011450, OMIM 604370. Disease mechanism: loss of function.
Hereditary breast ovarian cancer syndrome. Also called: Hereditary breast and ovarian cancer syndrome; Breast and ovarian cancer; Hereditary breast and ovarian cancer syndrome (HBOC); Hereditary breast and/or ovarian cancer syndrome; BRCA1- and BRCA2-Associated Hereditary Breast and Ovarian Cancer; Hereditary breast and ovarian cancer. Identifiers: Orphanet 145, MedGen C0677776, MeSH D061325, MONDO:0003582. Disease mechanism: loss of function.

Submissions (2):

Labcorp Genetics (formerly Invitae), Labcorp
Classification: Uncertain significance for Hereditary breast ovarian cancer syndrome. Last evaluated: 2024-06-24. Review status: criteria provided, single submitter. Criteria: Invitae Variant Classification Sherloc (09022015). Collection method: clinical testing. Allele origin: germline.
Comment: This sequence change replaces glutamic acid, which is acidic and polar, with lysine, which is basic and polar, at codon 1576 of the BRCA1 protein (p.Glu1576Lys). This variant is not present in population databases (gnomAD no frequency). This variant has not been reported in the literature in individuals affected with BRCA1-related conditions. ClinVar contains an entry for this variant (Variation ID: 409355). Advanced modeling of protein sequence and biophysical properties (such as structural, functional, and spatial information, amino acid conservation, physicochemical variation, residue mobility, and thermodynamic stability) performed at Invitae indicates that this missense variant is not expected to disrupt BRCA1 protein function with a negative predictive value of 95%. In summary, the available evidence is currently insufficient to determine the role of this variant in disease. Therefore, it has been classified as a Variant of Uncertain Significance.

All of Us Research Program, National Institutes of Health
Classification: Uncertain significance for Breast-ovarian cancer, familial, susceptibility to, 1. Last evaluated: 2023-06-28. Review status: criteria provided, single submitter. Criteria: ACMG Guidelines, 2015. Collection method: clinical testing. Allele origin: germline. Inheritance: Autosomal dominant inheritance. Observed: 1 variant allele, 1 heterozygote.
Comment: This study involves interpretation of variants in research participants for the purpose of population health screening. Participant phenotype was not available at the time of variant classification. Additional details can be found in publication PMID: 35346344, PMCID: PMC8962531